The following is an entry in ClinVar:

ClinVar aggregate classification (germline): Uncertain significance (1 of 4 stars; one submission).

Submission:

Women's Health and Genetics/Laboratory Corporation of America, LabCorp
Classification: Uncertain significance. Last evaluated: 2025-03-07. Review status: criteria provided, single submitter. Criteria: LabCorp Variant Classification Summary - May 2015. Collection method: clinical testing. Allele origin: germline.
Comment: Variant summary: The variant involves the duplication of 100 nucleotides spanning intron 7 through exon 8 in the BRAF gene. A presumed nomenclature of c.981-15_1065dup100 has been designated for the purposes of this classification. Several computational tools predict a significant impact on normal splicing: Five predict the variant activates several cryptic 3' acceptor sites within the duplicated sequence. However, these predictions have yet to be confirmed by functional studies. The variant was absent in 251460 control chromosomes (gnomAD). The available data on variant occurrences in the general population are insufficient to allow any conclusion about variant significance. To our knowledge, no occurrence of c.981-15_1065dup100 in individuals affected with Noonan Syndrome and Related Conditions and no experimental evidence demonstrating its impact on protein function have been reported. No clinical diagnostic laboratories have submitted clinical-significance assessments for this variant to ClinVar after 2014. Based on the evidence outlined above, the variant was classified as uncertain significance.

NM_004333.6(BRAF):c.981-15_1065dup

Genes: BRAF (B-Raf proto-oncogene, serine/threonine kinase; minus strand), LOC126860202 (BRD4-independent group 4 enhancer GRCh37_chr7:140493623-140494822; plus strand). Cytogenetic location: 7q34.
Variant type: Duplication.
Coding change: c.981-15_1065dup on transcript NM_004333.6 (MANE Select); 15 bases into the intron before coding-DNA position 981 through coding-DNA position 1065, 100 bases duplicated.
Molecular consequence: splice acceptor variant.
Genome position (GRCh38, 1-based): chr7:140,794,383-140,794,482, 100 bases duplicated. GRCh37 (hg19): chr7:140,494,183-140,494,282.
Other names: c.981-15_1065dup (NM_001378474.1, NM_001378471.1, NM_001378468.1 and 4 more transcripts); c.879-15_963dup (NM_001378470.1); c.717-15_801dup (NM_001378475.1); c.990-15_1074dup (NM_001378467.1); c.825-15_909dup (NM_001378472.1, NM_001378473.1); c.981-15_1065dup100 (NM_004333.6).
Identifiers: ClinVar variation 3895779 (VCV003895779.1).